The following is an entry in ClinVar:

ClinVar aggregate classification (germline): Uncertain significance (1 of 4 stars; one submission).

Conditions:
Amyotrophic lateral sclerosis type 1 (ALS1). Also called: AMYOTROPHIC LATERAL SCLEROSIS 1, FAMILIAL. Identifiers: Orphanet 803, MedGen C1862939, MONDO:0007103, OMIM 105400.
Perry syndrome. Also called: PARKINSONISM WITH ALVEOLAR HYPOVENTILATION AND MENTAL DEPRESSION. Identifiers: Orphanet 178509, MedGen C1868594, MONDO:0008201, OMIM 168605.
Neuronopathy, distal hereditary motor, type 7B. Also called: Distal Hereditary Motor Neuronopathy Type 7B (dHMN7B); HMN VIIB; LOWER MOTOR NEURON DISEASE, DYNACTIN TYPE; NEURONOPATHY, DISTAL HEREDITARY MOTOR, AUTOSOMAL DOMINANT 14; NEURONOPATHY, DISTAL HEREDITARY MOTOR, HARDING TYPE VIIB; NEUROPATHY, DISTAL HEREDITARY MOTOR, HARDING TYPE VIIB. Identifiers: Orphanet 139589, MedGen C1843315, MONDO:0011879, OMIM 607641.

Allele frequency attached by ClinVar (database versions not stated): gnomAD exomes below 0.00001 and 0.00001; ExAC 0.00001; gnomAD 0.00001.

Submission:

Labcorp Genetics (formerly Invitae), Labcorp
Classification: Uncertain significance for Amyotrophic lateral sclerosis type 1; Neuronopathy, distal hereditary motor, type 7B; Perry syndrome. Last evaluated: 2024-10-12. Review status: criteria provided, single submitter. Criteria: Invitae Variant Classification Sherloc (09022015). Collection method: clinical testing. Allele origin: germline.
Comment: This sequence change replaces threonine, which is neutral and polar, with isoleucine, which is neutral and non-polar, at codon 880 of the DCTN1 protein (p.Thr880Ile). This variant is present in population databases (rs758789274, gnomAD 0.006%). This variant has not been reported in the literature in individuals affected with DCTN1-related conditions. ClinVar contains an entry for this variant (Variation ID: 1513317). Invitae Evidence Modeling of protein sequence and biophysical properties (such as structural, functional, and spatial information, amino acid conservation, physicochemical variation, residue mobility, and thermodynamic stability) indicates that this missense variant is not expected to disrupt DCTN1 protein function with a negative predictive value of 95%. In summary, the available evidence is currently insufficient to determine the role of this variant in disease. Therefore, it has been classified as a Variant of Uncertain Significance.

NM_004082.5(DCTN1):c.2639C>T (p.Thr880Ile)

Gene: DCTN1 (dynactin subunit 1; minus strand). Cytogenetic location: 2p13.1.
Variant type: single nucleotide variant.
Coding change: c.2639C>T on transcript NM_004082.5 (MANE Select); coding-DNA position 2639, C replaced by T.
Protein change: p.Thr880Ile; replaces threonine 880 with isoleucine.
Molecular consequence: missense variant. On other transcripts: non-coding transcript variant (1).
Genome position (GRCh38, 1-based): chr2:74,366,365, G>A on the plus strand (C>T on the coding strand, the complement: DCTN1 is on the minus strand). VCF-style: chr2-74366365-G-A. GRCh37 (hg19) VCF-style: chr2-74593492-G-A.
Other names: c.2579C>T, p.Thr860Ile (NM_001135040.3); c.2237C>T, p.Thr746Ile (NM_001135041.3, NM_023019.4); c.2528C>T, p.Thr843Ile (NM_001190836.2); c.2618C>T, p.Thr873Ile (NM_001190837.2); c.2588C>T, p.Thr863Ile (NM_001378991.1); c.2570C>T, p.Thr857Ile (NM_001378992.1); short protein forms T746I, T863I, T843I, T857I, T860I, T873I, T880I.
Identifiers: ClinVar variation 1513317 (VCV001513317.6), dbSNP rs758789274, ClinGen allele CA1721779.